The following is an entry in ClinVar:

NM_033118.4(MYLK2):c.1598A>G (p.Gln533Arg)

Gene: MYLK2 (myosin light chain kinase 2; plus strand). Cytogenetic location: 20q11.21.
Variant type: single nucleotide variant.
Coding change: c.1598A>G on transcript NM_033118.4 (MANE Select); coding-DNA position 1598, A replaced by G.
Protein change: p.Gln533Arg; replaces glutamine 533 with arginine.
Molecular consequence: missense variant.
Genome position (GRCh38, 1-based): chr20:31,832,024, A>G. VCF-style: chr20-31832024-A-G. GRCh37 (hg19) VCF-style: chr20-30419827-A-G.
Other names: short protein forms Q533R.
Identifiers: ClinVar variation 1776036 (VCV001776036.8), dbSNP rs756882768, ClinGen allele CA9803276.

ClinVar aggregate classification (germline): Uncertain significance. Review status: criteria provided, multiple submitters, no conflicts (2 of 4 stars). 2 submissions from 2 submitters: Uncertain significance (2). Last evaluated 2024-12-07.

Conditions:
Hypertrophic cardiomyopathy 1 (CMH1). Also called: MYH7-Related Familial Hypertrophic Cardiomyopathy; Familial hypertrophic cardiomyopathy 1. Identifiers: MedGen C3495498, MONDO:0008647, OMIM 192600.

Allele frequency attached by ClinVar (database versions not stated): gnomAD 0.00001; gnomAD exomes 0.00001; ExAC 0.00003.
gnomAD v4.1: 18 of 1,608,770 alleles (0.0011%); highest among the groups gnomAD compares: South Asian, 0.018%; no homozygotes.

Submissions (2):

Ambry Genetics
Classification: Uncertain significance. Last evaluated: 2024-12-07. Review status: criteria provided, single submitter. Criteria: Ambry Variant Classification Scheme 2023. Collection method: clinical testing. Allele origin: germline.
Comment: The p.Q533R variant (also known as c.1598A>G), located in coding exon 11 of the MYLK2 gene, results from an A to G substitution at nucleotide position 1598. The glutamine at codon 533 is replaced by arginine, an amino acid with highly similar properties. This amino acid position is conserved. In addition, this alteration is predicted to be tolerated by in silico analysis. Since supporting evidence is limited at this time, the clinical significance of this alteration remains unclear.

Labcorp Genetics (formerly Invitae), Labcorp
Classification: Uncertain significance for Hypertrophic cardiomyopathy 1. Last evaluated: 2022-06-29. Review status: criteria provided, single submitter. Criteria: Invitae Variant Classification Sherloc (09022015). Collection method: clinical testing. Allele origin: germline.
Comment: This variant has not been reported in the literature in individuals affected with MYLK2-related conditions. In summary, the available evidence is currently insufficient to determine the role of this variant in disease. Therefore, it has been classified as a Variant of Uncertain Significance. Algorithms developed to predict the effect of missense changes on protein structure and function are either unavailable or do not agree on the potential impact of this missense change (SIFT: "Deleterious"; PolyPhen-2: "Benign"; Align-GVGD: "Class C0"). This variant is present in population databases (rs756882768, gnomAD 0.02%). This sequence change replaces glutamine, which is neutral and polar, with arginine, which is basic and polar, at codon 533 of the MYLK2 protein (p.Gln533Arg).